The following is an entry in ClinVar:

ClinVar aggregate classification (germline): Conflicting classifications of pathogenicity. Review status: criteria provided, conflicting classifications (1 of 4 stars). 7 submissions from 7 submitters: Uncertain significance (1); Benign (1). 5 of the submissions do not count toward it. Last evaluated 2025-03-01.

Conditions:
MPO-related disorder. Also called: MPO-related condition.
Myeloperoxidase deficiency (MPOD). Also called: MPO DEFICIENCY; Myeloperoxidase deficiency syndrome. Identifiers: Orphanet 2587, MedGen C0398595, MONDO:0009694, OMIM 254600.

Allele frequency attached by ClinVar (database versions not stated): 1000 Genomes Project 0.00479; 1000 Genomes Project 30x 0.00484; TOPMed 0.00723; gnomAD 0.00954 and 0.00999; gnomAD exomes 0.01024 and 0.01177; ExAC 0.01206.
gnomAD v4.1: 18,481 of 1,612,960 alleles (1.1%); highest among the groups gnomAD compares: Non-Finnish European, 1.3%; 147 homozygotes.

Submissions (7):

CeGaT Center for Human Genetics Tuebingen
Classification: Benign. Last evaluated: 2025-03-01. Review status: criteria provided, single submitter. Criteria: CeGaT Center For Human Genetics Tuebingen Variant Classification Criteria Version 2. Collection method: clinical testing. Allele origin: germline. Affected: yes. Observed: 3 variant alleles.
Comment: MPO: BS1, BS2

Mendelics
Classification: Uncertain significance for Myeloperoxidase deficiency. Last evaluated: 2019-05-28. Review status: criteria provided, single submitter. Criteria: Mendelics Assertion Criteria 2017. Collection method: clinical testing. Allele origin: unknown.

PreventionGenetics, part of Exact Sciences
Classification: Benign for MPO-related condition. Last evaluated: 2024-01-28. Review status: no assertion criteria provided. Collection method: clinical testing. Allele origin: germline. Not counted in ClinVar's aggregate classification.
Comment: This variant is classified as benign based on ACMG/AMP sequence variant interpretation guidelines (Richards et al. 2015 PMID: 25741868, with internal and published modifications).

Reproductive Health Research and Development, BGI Genomics
Classification: Uncertain significance for Myeloperoxidase deficiency. Last evaluated: 2020-01-06. Review status: no assertion criteria provided. Collection method: curation. Allele origin: germline. Not counted in ClinVar's aggregate classification.
Comment: NM_000250.1:c.752T>C in the MPO gene has an allele frequency of 0.032 in European (Finnish) subpopulation in the gnomAD database. Although a number of 26 homozygous occurrences is observed in the gnomAD database, the majority patients with myeloperoxidase deficiency are asymptomatic clinically except if they are also diabetic. Therefore we determined not to adapt this as a strong benign evidence. Marchetti et al. identified an individual with myeloperoxidase deficiency, harboring a compound heterozygote for c.752T>C and c.1705C>T (PMID: 15108282); and another patient harboring c.752T>C and a 14-base deletion (PMID: 9354683). Conservatively, we interpret it as a variant of uncertain significance in favor of likely pathogenic. ACMG/AMP criteria applied: PM3_Strong, PP4, BS1.

OMIM
Classification: Pathogenic for MYELOPEROXIDASE DEFICIENCY. Last evaluated: 2004-05-01. Review status: no assertion criteria provided. Collection method: literature only. Allele origin: germline. Not counted in ClinVar's aggregate classification.

Diagnostic Laboratory, Department of Genetics, University Medical Center Groningen
Classification: Likely benign. Review status: no assertion criteria provided. Collection method: clinical testing. Allele origin: germline. Affected: yes. Study: VKGL Data-share Consensus. Not counted in ClinVar's aggregate classification.

Genome Diagnostics Laboratory, University Medical Center Utrecht
Classification: Likely benign. Review status: no assertion criteria provided. Collection method: clinical testing. Allele origin: germline. Affected: yes. Study: VKGL Data-share Consensus. Not counted in ClinVar's aggregate classification.

Literature cited by the submitters: PubMed 9354683 (cited by OMIM); PubMed 15108282 (cited by OMIM).

NM_000250.2(MPO):c.752T>C (p.Met251Thr)

Genes: LPO (lactoperoxidase; plus strand), MPO (myeloperoxidase; minus strand). Cytogenetic location: 17q22.
Variant type: single nucleotide variant.
Coding change: c.752T>C on transcript NM_000250.2 (MANE Select); coding-DNA position 752, T replaced by C.
Protein change: p.Met251Thr; replaces methionine 251 with threonine.
Molecular consequence: missense variant.
Genome position (GRCh38, 1-based): chr17:58,279,141, A>G on the plus strand (T>C on the coding strand, the complement: MPO is on the minus strand). VCF-style: chr17-58279141-A-G. GRCh37 (hg19) VCF-style: chr17-56356502-A-G.
Other names: c.752T>C, p.Met251Thr (LRG_84t1); short protein forms M251T.
Identifiers: ClinVar variation 3628 (VCV000003628.36), dbSNP rs56378716, ClinGen allele CA116385.